The following is an entry in ClinVar:

NM_004273.5(CHST3):c.368C>T (p.Pro123Leu)

Gene: CHST3 (carbohydrate sulfotransferase 3; plus strand). Cytogenetic location: 10q22.1.
Variant type: single nucleotide variant.
Coding change: c.368C>T on transcript NM_004273.5 (MANE Select); coding-DNA position 368, C replaced by T.
Protein change: p.Pro123Leu; replaces proline 123 with leucine.
Molecular consequence: missense variant.
Genome position (GRCh38, 1-based): chr10:72,007,399, C>T. VCF-style: chr10-72007399-C-T. GRCh37 (hg19) VCF-style: chr10-73767157-C-T.
Other names: c.368C>T (NM_004273.4); short protein forms P123L.
Identifiers: ClinVar variation 2173003 (VCV002173003.5), dbSNP rs753956495, ClinGen allele CA5548071.
Genomic context (GRCh38, chr10:72,007,399, plus strand): 5'-TGGAGCCAGCCATGGAGGCCGCAGGGGAGGAAGAGGAAGAGCAGAGAAAGGAGGAGGAGC[C>T]GCCCAGACCGGCCGTGGCGGGGCCCCGGCGCCACGTGCTGCTCATGGCCACCACGCGCAC-3'
Protein context (NP_004264.2, residues 113-133): EEEEQRKEEE[Pro123Leu]PRPAVAGPRR

ClinVar aggregate classification (germline): Uncertain significance. Review status: criteria provided, multiple submitters, no conflicts (2 of 4 stars). 2 submissions from 2 submitters: Uncertain significance (2). Last evaluated 2024-01-02.

Conditions:
Spondyloepiphyseal dysplasia with congenital joint dislocations (SEDCJD). Also called: Chondrodysplasia with Congenital Joint Dislocations, CHST3-Related. Identifiers: Orphanet 263463, MedGen C1837657, MONDO:0007738, OMIM 143095.
Inborn genetic diseases. Identifiers: MedGen C0950123, MeSH D030342.

Allele frequency attached by ClinVar (database versions not stated): gnomAD 0.00003; TOPMed 0.00003; ExAC 0.00008.
gnomAD v4.1: 49 of 1,605,356 alleles (0.0031%); highest among the groups gnomAD compares: East Asian, 0.049%; no homozygotes.

Submissions (2):

Ambry Genetics
Classification: Uncertain significance for Inborn genetic diseases. Last evaluated: 2024-01-02. Review status: criteria provided, single submitter. Criteria: Ambry Variant Classification Scheme 2023. Collection method: clinical testing. Allele origin: germline.

Labcorp Genetics (formerly Invitae), Labcorp
Classification: Uncertain significance for Spondyloepiphyseal dysplasia with congenital joint dislocations. Last evaluated: 2022-07-30. Review status: criteria provided, single submitter. Criteria: Invitae Variant Classification Sherloc (09022015). Collection method: clinical testing. Allele origin: germline.
Comment: In summary, the available evidence is currently insufficient to determine the role of this variant in disease. Therefore, it has been classified as a Variant of Uncertain Significance. Algorithms developed to predict the effect of missense changes on protein structure and function output the following: SIFT: "Tolerated"; PolyPhen-2: "Benign"; Align-GVGD: "Class C0". The leucine amino acid residue is found in multiple mammalian species, which suggests that this missense change does not adversely affect protein function. This variant has not been reported in the literature in individuals affected with CHST3-related conditions. This variant is present in population databases (rs753956495, gnomAD 0.02%). This sequence change replaces proline, which is neutral and non-polar, with leucine, which is neutral and non-polar, at codon 123 of the CHST3 protein (p.Pro123Leu).